The following is an entry in ClinVar:

NM_000165.5(GJA1):c.234G>T (p.Trp78Cys)

Gene: GJA1 (gap junction protein alpha 1; plus strand). Cytogenetic location: 6q22.31.
Variant type: single nucleotide variant.
Coding change: c.234G>T on transcript NM_000165.5 (MANE Select); coding-DNA position 234, G replaced by T.
Protein change: p.Trp78Cys; replaces tryptophan 78 with cysteine.
Molecular consequence: missense variant.
Genome position (GRCh38, 1-based): chr6:121,447,081, G>T. VCF-style: chr6-121447081-G-T. GRCh37 (hg19) VCF-style: chr6-121768227-G-T.
Other names: short protein forms W78C.
Identifiers: ClinVar variation 3774688 (VCV003774688.1).

ClinVar aggregate classification (germline): Uncertain significance (1 of 4 stars; one submission).

Submission:

GeneDx
Classification: Uncertain significance. Last evaluated: 2024-09-25. Review status: criteria provided, single submitter. Criteria: GeneDx Variant Classification Process June 2021. Collection method: clinical testing. Allele origin: germline. Affected: yes.
Comment: Not observed at significant frequency in large population cohorts (gnomAD); In silico analysis supports that this missense variant has a deleterious effect on protein structure/function; Has not been previously published as pathogenic or benign to our knowledge